The following is an entry in ClinVar:

ClinVar aggregate classification (germline): Uncertain significance. Review status: criteria provided, multiple submitters, no conflicts (2 of 4 stars). 2 submissions from 2 submitters: Uncertain significance (2). Last evaluated 2026-01-11.

Conditions:
Currarino triad. Identifiers: Orphanet 1552, MedGen C1531773, MONDO:0008305, OMIM 176450.

Submissions (2):

Labcorp Genetics (formerly Invitae), Labcorp
Classification: Uncertain significance. Last evaluated: 2026-01-11. Review status: criteria provided, single submitter. Criteria: Invitae Variant Classification Sherloc (09022015). Collection method: clinical testing. Allele origin: germline.
Comment: This variant, c.111_113dup, results in the insertion of 1 amino acid(s) of the MNX1 protein (p.Ala38dup), but otherwise preserves the integrity of the reading frame. This variant is not present in population databases (gnomAD no frequency). This variant has not been reported in the literature in individuals affected with MNX1-related conditions. In summary, the available evidence is currently insufficient to determine the role of this variant in disease. Therefore, it has been classified as a Variant of Uncertain Significance.

Fulgent Genetics
Classification: Uncertain significance for Currarino triad. Last evaluated: 2024-06-19. Review status: criteria provided, single submitter. Criteria: ACMG Guidelines, 2015. Collection method: clinical testing. Allele origin: germline.

NM_005515.4(MNX1):c.102CGC[5] (p.Ala38_Ser39insAla)

Gene: MNX1 (motor neuron and pancreas homeobox 1; minus strand). Cytogenetic location: 7q36.3.
Variant type: Microsatellite.
Coding change: c.102CGC[5] on transcript NM_005515.4 (MANE Select); five copies in a row of the 3-base unit CGC starting at c.102; the reference has four copies in a row; one copy, 3 bases duplicated; also written c.111_113dup.
Protein change: p.Ala38_Ser39insAla.
Genome position (GRCh38, 1-based): chr7:157,010,238-157,010,240, GCG duplicated on the plus strand (CGC on the coding strand, the reverse complement: MNX1 is on the minus strand); duplicating any 3 consecutive bases within chr7:157,010,238-157,010,249 gives the same sequence; the position shown is the placement nearest the transcript's 3' end. VCF-style (leftmost placement, unchanged base first): chr7-157010237-T-TGCG. GRCh37 (hg19) VCF-style: chr7-156802931-T-TGCG.
Other names: c.111_113dup (NM_005515.4).
Identifiers: ClinVar variation 3594479 (VCV003594479.2).